The following is an entry in ClinVar:

ClinVar aggregate classification (germline): Uncertain significance (1 of 4 stars; one submission).

Submission:

Labcorp Genetics (formerly Invitae), Labcorp
Classification: Uncertain significance. Last evaluated: 2021-03-07. Review status: criteria provided, single submitter. Criteria: Invitae Variant Classification Sherloc (09022015). Collection method: clinical testing. Allele origin: germline.
Comment: In summary, the available evidence is currently insufficient to determine the role of this variant in disease. Therefore, it has been classified as a Variant of Uncertain Significance. Advanced modeling of protein sequence and biophysical properties (such as structural, functional, and spatial information, amino acid conservation, physicochemical variation, residue mobility, and thermodynamic stability) performed at Invitae indicates that this missense variant is not expected to disrupt FAT4 protein function. This variant has not been reported in the literature in individuals with FAT4-related conditions. This variant is not present in population databases (ExAC no frequency). This sequence change replaces leucine with arginine at codon 2003 of the FAT4 protein (p.Leu2003Arg). The leucine residue is moderately conserved and there is a moderate physicochemical difference between leucine and arginine.

NM_001291303.3(FAT4):c.6008T>G (p.Leu2003Arg)

Gene: FAT4 (FAT atypical cadherin 4; plus strand). Cytogenetic location: 4q28.1.
Variant type: single nucleotide variant.
Coding change: c.6008T>G on transcript NM_001291303.3 (MANE Select); coding-DNA position 6008, T replaced by G.
Protein change: p.Leu2003Arg; replaces leucine 2003 with arginine.
Molecular consequence: missense variant.
Genome position (GRCh38, 1-based): chr4:125,414,971, T>G. VCF-style: chr4-125414971-T-G. GRCh37 (hg19) VCF-style: chr4-126336126-T-G.
Other names: c.6008T>G, p.Leu2003Arg (NM_001291285.3, NM_024582.6); short protein forms L2003R.
Identifiers: ClinVar variation 1412947 (VCV001412947.8), dbSNP rs2126026943, ClinGen allele CA358126838.